The following is an entry in ClinVar:

NM_001077415.3(CRELD1):c.699G>C (p.Lys233Asn)

Gene: CRELD1 (CRELD disulfide isomerase 1; plus strand). Cytogenetic location: 3p25.3.
Variant type: single nucleotide variant.
Coding change: c.699G>C on transcript NM_001077415.3 (MANE Select); coding-DNA position 699, G replaced by C.
Protein change: p.Lys233Asn; replaces lysine 233 with asparagine.
Molecular consequence: missense variant. On other transcripts: non-coding transcript variant (3).
Genome position (GRCh38, 1-based): chr3:9,941,172, G>C. VCF-style: chr3-9941172-G-C. GRCh37 (hg19) VCF-style: chr3-9982856-G-C.
Other names: c.699G>C, p.Lys233Asn (NM_001031717.4, NM_001374316.1, NM_001374317.1 and 4 more transcripts); short protein forms K233N.
Identifiers: ClinVar variation 1305555 (VCV001305555.10), dbSNP rs751636782, ClinGen allele CA2247766.

ClinVar aggregate classification (germline): Conflicting classifications of pathogenicity. Review status: criteria provided, conflicting classifications (1 of 4 stars). 3 submissions from 3 submitters: Uncertain significance (2); Likely benign (1). Last evaluated 2024-01-09.

Conditions:
Inborn genetic diseases. Identifiers: MedGen C0950123, MeSH D030342.
Atrioventricular septal defect, susceptibility to, 2. Identifiers: MedGen C1853508, MONDO:0011650, OMIM 606217.

Allele frequency attached by ClinVar (database versions not stated): ExAC 0.00004; TOPMed 0.00006; gnomAD exomes 0.00008.
gnomAD v4.1: 45 of 1,614,080 alleles (0.0028%); highest among the groups gnomAD compares: Admixed American, 0.0083%; no homozygotes.

Submissions (3):

Ambry Genetics
Classification: Uncertain significance for Inborn genetic diseases. Last evaluated: 2024-01-09. Review status: criteria provided, single submitter. Criteria: Ambry Variant Classification Scheme 2023. Collection method: clinical testing. Allele origin: germline.

Labcorp Genetics (formerly Invitae), Labcorp
Classification: Likely benign for Atrioventricular septal defect, susceptibility to, 2. Last evaluated: 2021-01-21. Review status: criteria provided, single submitter. Criteria: Invitae Variant Classification Sherloc (09022015). Collection method: clinical testing. Allele origin: germline.

GeneDx
Classification: Uncertain significance. Last evaluated: 2019-05-10. Review status: criteria provided, single submitter. Criteria: GeneDx Variant Classification Process June 2021. Collection method: clinical testing. Allele origin: germline. Affected: yes.
Comment: In silico analysis, which includes protein predictors and evolutionary conservation, supports that this variant does not alter protein structure/function; Has not been previously published as pathogenic or benign to our knowledge